The following is an entry in ClinVar:

NM_005475.3(SH2B3):c.1228A>G (p.Ile410Val)

Gene: SH2B3 (SH2B adaptor protein 3; plus strand). Cytogenetic location: 12q24.12.
Variant type: single nucleotide variant.
Coding change: c.1228A>G on transcript NM_005475.3 (MANE Select); coding-DNA position 1228, A replaced by G.
Protein change: p.Ile410Val; replaces isoleucine 410 with valine.
Molecular consequence: missense variant.
Genome position (GRCh38, 1-based): chr12:111,447,536, A>G. VCF-style: chr12-111447536-A-G. GRCh37 (hg19) VCF-style: chr12-111885340-A-G.
Other names: c.622A>G, p.Ile208Val (NM_001291424.1); short protein forms I208V, I410V.
Identifiers: ClinVar variation 5029525 (VCV005029525.1).

ClinVar aggregate classification (germline): Uncertain significance (1 of 4 stars; one submission).

Conditions:
Inborn genetic diseases. Identifiers: MedGen C0950123, MeSH D030342.

Submission:

Ambry Genetics
Classification: Uncertain significance for Inborn genetic diseases. Last evaluated: 2026-09-13. Review status: criteria provided, single submitter. Criteria: Ambry Variant Classification Scheme 2023. Collection method: clinical testing. Allele origin: germline.
Comment: The p.I410V variant (also known as c.1228A>G), located in coding exon 5 of the SH2B3 gene, results from an A to G substitution at nucleotide position 1228. The isoleucine at codon 410 is replaced by valine, an amino acid with highly similar properties. This amino acid position is conserved. In addition, this alteration is predicted to be tolerated by in silico analysis. Based on the available evidence, the clinical significance of this variant remains unclear.